The following is an entry in ClinVar:

NM_000059.4(BRCA2):c.4208C>G (p.Thr1403Ser)

Gene: BRCA2 (BRCA2 DNA repair associated; plus strand). Cytogenetic location: 13q13.1.
Variant type: single nucleotide variant.
Coding change: c.4208C>G on transcript NM_000059.4 (MANE Select); coding-DNA position 4208, C replaced by G.
Protein change: p.Thr1403Ser; replaces threonine 1403 with serine.
Molecular consequence: missense variant.
Genome position (GRCh38, 1-based): chr13:32,338,563, C>G. VCF-style: chr13-32338563-C-G. GRCh37 (hg19) VCF-style: chr13-32912700-C-G.
Other names: short protein forms T1403S.
Identifiers: ClinVar variation 1477635 (VCV001477635.9), dbSNP rs2072498862, ClinGen allele CA387780250.

ClinVar aggregate classification (germline): Conflicting classifications of pathogenicity. Review status: criteria provided, conflicting classifications (1 of 4 stars). 2 submissions from 2 submitters: Uncertain significance (1); Likely benign (1). Last evaluated 2023-03-23.

Conditions:
Hereditary cancer-predisposing syndrome. Also called: Neoplastic Syndromes, Hereditary; Hereditary Cancer Syndrome; Tumor predisposition; Hereditary neoplastic syndrome. Identifiers: Orphanet 140162, MedGen C0027672, MeSH D009386, MONDO:0015356.
Hereditary breast ovarian cancer syndrome. Also called: Breast and ovarian cancer; Hereditary breast and ovarian cancer; Hereditary breast and ovarian cancer syndrome; Hereditary breast and ovarian cancer syndrome (HBOC); BRCA1- and BRCA2-Associated Hereditary Breast and Ovarian Cancer; Hereditary breast and/or ovarian cancer syndrome. Identifiers: Orphanet 145, MedGen C0677776, MeSH D061325, MONDO:0003582. Disease mechanism: loss of function.

Submissions (2):

University of Washington Department of Laboratory Medicine, University of Washington
Classification: Likely benign for Hereditary cancer-predisposing syndrome. Last evaluated: 2023-03-23. Review status: criteria provided, single submitter. Criteria: Dines et al. (Genet Med. 2020). Collection method: curation. Allele origin: germline.
Comment: Missense variant in a coldspot region where missense variants are very unlikely to be pathogenic (PMID:31911673).

BRCA2 exon 11 coldspot. Reclassification based on statistical prior probability.

Labcorp Genetics (formerly Invitae), Labcorp
Classification: Uncertain significance for Hereditary breast ovarian cancer syndrome. Last evaluated: 2021-03-29. Review status: criteria provided, single submitter. Criteria: Invitae Variant Classification Sherloc (09022015). Collection method: clinical testing. Allele origin: germline.
Comment: In summary, the available evidence is currently insufficient to determine the role of this variant in disease. Therefore, it has been classified as a Variant of Uncertain Significance. Advanced modeling of protein sequence and biophysical properties (such as structural, functional, and spatial information, amino acid conservation, physicochemical variation, residue mobility, and thermodynamic stability) performed at Invitae indicates that this missense variant is not expected to disrupt BRCA2 protein function. This variant has not been reported in the literature in individuals with BRCA2-related conditions. This variant is not present in population databases (ExAC no frequency). This sequence change replaces threonine with serine at codon 1403 of the BRCA2 protein (p.Thr1403Ser). The threonine residue is weakly conserved and there is a small physicochemical difference between threonine and serine.